The following is an entry in ClinVar:

NM_021625.5(TRPV4):c.1311G>C (p.Leu437=)

Gene: TRPV4 (transient receptor potential cation channel subfamily V member 4; minus strand). Cytogenetic location: 12q24.11.
Variant type: single nucleotide variant.
Coding change: c.1311G>C on transcript NM_021625.5 (MANE Select); coding-DNA position 1311, G replaced by C.
Protein change: p.Leu437=; no amino-acid change (leucine 437 retained).
Molecular consequence: synonymous variant. On other transcripts: intron variant (2).
Genome position (GRCh38, 1-based): chr12:109,796,546, C>G on the plus strand (G>C on the coding strand, the complement: TRPV4 is on the minus strand). VCF-style: chr12-109796546-C-G. GRCh37 (hg19) VCF-style: chr12-110234351-C-G.
Other names: c.1012-2059G>C (NM_001177433.1); c.1153-2059G>C (NM_147204.2); c.1170G>C, p.Leu390= (NM_001177428.2); c.1209G>C, p.Leu403= (NM_001177431.2).
Identifiers: ClinVar variation 698008 (VCV000698008.15), dbSNP rs148225182, ClinGen allele CA6780295.

ClinVar aggregate classification (germline): Conflicting classifications of pathogenicity. Review status: criteria provided, conflicting classifications (1 of 4 stars). 5 submissions from 5 submitters: Uncertain significance (1); Benign (1); Likely benign (3). Last evaluated 2026-04-21.

Conditions:
TRPV4-related disorder. Also called: TRPV4-related disorders; TRPV4-related condition.
Connective tissue disorder. Also called: Connective tissue disease. Identifiers: MedGen C0009782, MONDO:0003900.
Charcot-Marie-Tooth disease axonal type 2C (HMSN2C). Also called: Charcot-Marie-Tooth Disease Type 2, TRPV4-Related (CMT2C); CHARCOT-MARIE-TOOTH DISEASE, AXONAL, AUTOSOMAL DOMINANT, TYPE 2C; Charcot-Marie-Tooth Neuropathy Type 2C. Identifiers: Orphanet 99937, MedGen C1853710, MONDO:0011633, OMIM 606071.

Allele frequency attached by ClinVar (database versions not stated): gnomAD 0.00010 and 0.00011; gnomAD exomes 0.00006 and 0.00017; TOPMed 0.00007; ExAC 0.00008; ESP Exome Variant Server 0.00008.
gnomAD v4.1: 267 of 1,613,990 alleles (0.017%); highest among the groups gnomAD compares: Middle Eastern, 0.049%; no homozygotes.

Submissions (5):

Women's Health and Genetics/Laboratory Corporation of America, LabCorp
Classification: Benign. Last evaluated: 2026-04-21. Review status: criteria provided, single submitter. Criteria: LabCorp Variant Classification Summary - May 2015. Collection method: clinical testing. Allele origin: germline.

PreventionGenetics, part of Exact Sciences
Classification: Likely benign for TRPV4-related condition. Last evaluated: 2025-10-14. Review status: criteria provided, single submitter. Criteria: ACMG Guidelines, 2015. Collection method: clinical testing. Allele origin: germline.
Comment: This variant is classified as likely benign based on ACMG/AMP sequence variant interpretation guidelines (Richards et al. 2015 PMID: 25741868, with internal and published modifications).

Labcorp Genetics (formerly Invitae), Labcorp
Classification: Likely benign for Charcot-Marie-Tooth disease axonal type 2C. Last evaluated: 2025-05-13. Review status: criteria provided, single submitter. Criteria: Invitae Variant Classification Sherloc (09022015). Collection method: clinical testing. Allele origin: germline.

Blueprint Genetics
Classification: Likely benign. Last evaluated: 2023-10-18. Review status: criteria provided, single submitter. Criteria: ACMG Guidelines, 2015. Collection method: clinical testing. Allele origin: germline.

Genome Diagnostics Laboratory, The Hospital for Sick Children
Classification: Uncertain significance for Connective tissue disorder. Last evaluated: 2020-05-01. Review status: criteria provided, single submitter. Criteria: ACMG Guidelines, 2015. Collection method: clinical testing. Allele origin: germline.